The following is an entry in ClinVar:

NM_022367.4(SEMA4A):c.1287C>G (p.His429Gln)

Gene: SEMA4A (semaphorin 4A; plus strand). Cytogenetic location: 1q22.
Variant type: single nucleotide variant.
Coding change: c.1287C>G on transcript NM_022367.4 (MANE Select); coding-DNA position 1287, C replaced by G.
Protein change: p.His429Gln; replaces histidine 429 with glutamine.
Molecular consequence: missense variant.
Genome position (GRCh38, 1-based): chr1:156,172,978, C>G. VCF-style: chr1-156172978-C-G. GRCh37 (hg19) VCF-style: chr1-156142769-C-G.
Other names: c.1287C>G, p.His429Gln (NM_001193300.2, NM_001193301.2, NM_001370567.1); c.891C>G, p.His297Gln (NM_001193302.2); c.990C>G, p.His330Gln (NM_001370568.1); c.780C>G, p.His260Gln (NM_001370569.1, NM_001370571.1); short protein forms H429Q, H260Q, H297Q, H330Q.
Identifiers: ClinVar variation 450025 (VCV000450025.10), dbSNP rs368904425, ClinGen allele CA1155319.

ClinVar aggregate classification (germline): Uncertain significance. Review status: criteria provided, multiple submitters, no conflicts (2 of 4 stars). 6 submissions from 5 submitters: Uncertain significance (6). Last evaluated 2025-08-04.

Conditions:
Cone-rod dystrophy 10 (CORD10). Identifiers: Orphanet 1872, MedGen C1846529, MONDO:0012464, OMIM 610283.
Retinitis pigmentosa 35 (RP35). Identifiers: Orphanet 791, MedGen C1853214, MONDO:0012463, OMIM 610282.

Allele frequency attached by ClinVar (database versions not stated): gnomAD 0.00001; TOPMed 0.00001; gnomAD exomes 0.00002 and 0.00003; ExAC 0.00005; ESP Exome Variant Server 0.00008.
gnomAD v4.1: 28 of 1,613,952 alleles (0.0017%); highest among the groups gnomAD compares: Non-Finnish European, 0.0022%; no homozygotes.

Submissions (6):

Labcorp Genetics (formerly Invitae), Labcorp
Classification: Uncertain significance. Last evaluated: 2025-08-04. Review status: criteria provided, single submitter. Criteria: Invitae Variant Classification Sherloc (09022015). Collection method: clinical testing. Allele origin: germline.
Comment: This sequence change replaces histidine, which is basic and polar, with glutamine, which is neutral and polar, at codon 429 of the SEMA4A protein (p.His429Gln). This variant is present in population databases (rs368904425, gnomAD 0.006%). This variant has not been reported in the literature in individuals affected with SEMA4A-related conditions. ClinVar contains an entry for this variant (Variation ID: 450025). Invitae Evidence Modeling of protein sequence and biophysical properties (such as structural, functional, and spatial information, amino acid conservation, physicochemical variation, residue mobility, and thermodynamic stability) indicates that this missense variant is not expected to disrupt SEMA4A protein function with a negative predictive value of 80%. In summary, the available evidence is currently insufficient to determine the role of this variant in disease. Therefore, it has been classified as a Variant of Uncertain Significance.

Ambry Genetics
Classification: Uncertain significance. Last evaluated: 2024-11-09. Review status: criteria provided, single submitter. Criteria: Ambry Variant Classification Scheme 2023. Collection method: clinical testing. Allele origin: germline.

Genome-Nilou Lab
Classification: Uncertain significance for Cone-rod dystrophy 10. Last evaluated: 2023-04-11. Review status: criteria provided, single submitter. Criteria: ACMG Guidelines, 2015. Collection method: clinical testing. Allele origin: germline. Affected: no.

Genome-Nilou Lab
Classification: Uncertain significance for Retinitis pigmentosa 35. Last evaluated: 2023-04-11. Review status: criteria provided, single submitter. Criteria: ACMG Guidelines, 2015. Collection method: clinical testing. Allele origin: germline. Affected: no.

Blueprint Genetics
Classification: Uncertain significance. Last evaluated: 2021-12-16. Review status: criteria provided, single submitter. Criteria: ACMG Guidelines, 2015. Collection method: clinical testing. Allele origin: germline.

GeneDx
Classification: Uncertain significance. Last evaluated: 2017-06-29. Review status: criteria provided, single submitter. Criteria: GeneDx Variant Classification (06012015). Collection method: clinical testing. Allele origin: germline. Affected: yes.
Comment: The H429Q variant in the SEMA4A gene has not been reported previously as a pathogenic variant, nor as a benign variant, to our knowledge. The H429Q variant is observed in 6/66038 (0.009%) alleles from individuals of non-Finnish European background in large population cohorts (Lek et al., 2016; 1000 Genomes Consortium et al., 2015; Exome Variant Server). The H429Q variant is a semi-conservative amino acid substitution, which may impact secondary protein structure as these residues differ in some properties. This substitution occurs at a position that is not conserved and in silico analysis predicts this variant likely does not alter the protein structure/function. We interpret H429Q as a variant of uncertain significance.